The following is an entry in ClinVar:

NM_020778.5(ALPK3):c.116A>G (p.Tyr39Cys)

Gene: ALPK3 (alpha kinase 3; plus strand). Cytogenetic location: 15q25.3.
Variant type: single nucleotide variant.
Coding change: c.116A>G on transcript NM_020778.5 (MANE Select); coding-DNA position 116, A replaced by G.
Protein change: p.Tyr39Cys; replaces tyrosine 39 with cysteine.
Molecular consequence: missense variant.
Genome position (GRCh38, 1-based): chr15:84,817,568, A>G. VCF-style: chr15-84817568-A-G. GRCh37 (hg19) VCF-style: chr15-85360799-A-G.
Other names: short protein forms Y39C.
Identifiers: ClinVar variation 3656949 (VCV003656949.2).

ClinVar aggregate classification (germline): Uncertain significance (1 of 4 stars; one submission).

gnomAD v4.1: 1 of 1,502,566 alleles (0.000067%); highest among the groups gnomAD compares: Non-Finnish European, 0.000088%; no homozygotes.

Submission:

Labcorp Genetics (formerly Invitae), Labcorp
Classification: Uncertain significance. Last evaluated: 2024-06-30. Review status: criteria provided, single submitter. Criteria: Invitae Variant Classification Sherloc (09022015). Collection method: clinical testing. Allele origin: germline.
Comment: This sequence change replaces tyrosine, which is neutral and polar, with cysteine, which is neutral and slightly polar, at codon 241 of the ALPK3 protein (p.Tyr241Cys). This variant is not present in population databases (gnomAD no frequency). This variant has not been reported in the literature in individuals affected with ALPK3-related conditions. An algorithm developed to predict the effect of missense changes on protein structure and function (PolyPhen-2) suggests that this variant is likely to be disruptive. In summary, the available evidence is currently insufficient to determine the role of this variant in disease. Therefore, it has been classified as a Variant of Uncertain Significance.